The following is an entry in ClinVar:

ClinVar aggregate classification (germline): Uncertain significance. Review status: criteria provided, single submitter (1 of 4 stars). 2 submissions from 2 submitters: Uncertain significance (1). 1 of the submissions does not count toward it. Last evaluated 2022-07-05.

Conditions:
Retinitis pigmentosa 25 (RP25). Identifiers: Orphanet 791, MedGen C1864446, MONDO:0011272, OMIM 602772.

gnomAD v4.1: 1 of 1,551,724 alleles (0.000064%); highest among the groups gnomAD compares: Non-Finnish European, 0.000087%; no homozygotes.

Submissions (2):

Labcorp Genetics (formerly Invitae), Labcorp
Classification: Uncertain significance. Last evaluated: 2022-07-05. Review status: criteria provided, single submitter. Criteria: Invitae Variant Classification Sherloc (09022015). Collection method: clinical testing. Allele origin: germline.
Comment: This sequence change replaces valine, which is neutral and non-polar, with isoleucine, which is neutral and non-polar, at codon 2871 of the EYS protein (p.Val2871Ile). This variant is not present in population databases (gnomAD no frequency). This variant has not been reported in the literature in individuals affected with EYS-related conditions. ClinVar contains an entry for this variant (Variation ID: 1051559). Algorithms developed to predict the effect of missense changes on protein structure and function output the following: SIFT: "Tolerated"; PolyPhen-2: "Benign"; Align-GVGD: "Class C0". The isoleucine amino acid residue is found in multiple mammalian species, which suggests that this missense change does not adversely affect protein function. In summary, the available evidence is currently insufficient to determine the role of this variant in disease. Therefore, it has been classified as a Variant of Uncertain Significance.

Natera, Inc.
Classification: Uncertain significance for Retinitis pigmentosa type 25. Last evaluated: 2021-01-25. Review status: no assertion criteria provided. Collection method: clinical testing. Allele origin: germline. Not counted in ClinVar's aggregate classification.

NM_001142800.2(EYS):c.8611G>A (p.Val2871Ile)

Genes: EYS (eyes shut homolog; minus strand), PHF3 (PHD finger protein 3; plus strand). Cytogenetic location: 6q12.
Variant type: single nucleotide variant.
Coding change: c.8611G>A on transcript NM_001142800.2 (MANE Select); coding-DNA position 8611, G replaced by A.
Protein change: p.Val2871Ile; replaces valine 2871 with isoleucine.
Molecular consequence: missense variant. On other transcripts: 3 prime UTR variant (5).
Genome position (GRCh38, 1-based): chr6:63,721,420, C>T on the plus strand (G>A on the coding strand, the complement: EYS is on the minus strand). VCF-style: chr6-63721420-C-T. GRCh37 (hg19) VCF-style: chr6-64431316-C-T.
Other names: c.*7712C>T (NM_001290259.2, NM_001370348.2, NM_001370349.2 and 2 more transcripts); c.8674G>A, p.Val2892Ile (NM_001292009.2); short protein forms V2871I, V2892I.
Identifiers: ClinVar variation 1051559 (VCV001051559.7), dbSNP rs948892214, ClinGen allele CA140236839.